The following is an entry in ClinVar:

ClinVar aggregate classification (germline): Likely benign (1 of 4 stars; one submission).

Submission:

CeGaT Center for Human Genetics Tuebingen
Classification: Likely benign. Last evaluated: 2025-11-01. Review status: criteria provided, single submitter. Criteria: CeGaT Center For Human Genetics Tuebingen Variant Classification Criteria Version 2. Collection method: clinical testing. Allele origin: germline. Affected: yes. Observed: 1 variant allele.
Comment: WIPI2: PM2:Supporting, BP4, BP7

NM_015610.4(WIPI2):c.276C>T (p.Ser92=)

Gene: WIPI2 (WD repeat domain, phosphoinositide interacting 2; plus strand). Cytogenetic location: 7p22.1.
Variant type: single nucleotide variant.
Coding change: c.276C>T on transcript NM_015610.4 (MANE Select); coding-DNA position 276, C replaced by T.
Protein change: p.Ser92=; no amino-acid change (serine 92 retained).
Molecular consequence: synonymous variant. On other transcripts: 5 prime UTR variant (1).
Genome position (GRCh38, 1-based): chr7:5,214,599, C>T. VCF-style: chr7-5214599-C-T. GRCh37 (hg19) VCF-style: chr7-5254230-C-T.
Other names: c.276C>T, p.Ser92= (NM_001033518.2); c.222C>T, p.Ser74= (NM_001033519.2, NM_016003.4); c.99C>T, p.Ser33= (NM_001033520.1); c.-157C>T (NM_001278299.2).
Identifiers: ClinVar variation 4535175 (VCV004535175.6).
Genomic context (GRCh38, chr7:5,214,599, plus strand): 5'-TACGGAAGATGTGTGCATTGTAGAGAGATTGTTCTCCAGCAGCCTAGTGGCCATCGTCAG[C>T]CTTAAAGCACCAAGGAAGCTAAAGGTTTGCCACTTTAAGAAGGGAACTGAGATCTGCAAC-3'
Protein context (NP_056425.1, residues 82-102): LFSSSLVAIV[Ser92=]LKAPRKLKVC